The following is an entry in ClinVar:

ClinVar aggregate classification (germline): Benign/Likely benign. Review status: criteria provided, multiple submitters, no conflicts (2 of 4 stars). 3 submissions from 3 submitters: Benign (1); Likely benign (2). Last evaluated 2024-12-11.

Conditions:
Rubinstein-Taybi syndrome (RSTS). Identifiers: Orphanet 783, MedGen C0035934, MONDO:0019188.
Inborn genetic diseases. Identifiers: MedGen C0950123, MeSH D030342.
CREBBP-related disorder. Also called: CREBBP-related condition; CREBBP-related disorders.

Allele frequency attached by ClinVar (database versions not stated): ExAC 0.00002; TOPMed 0.00002.
gnomAD v4.1: 28 of 1,614,094 alleles (0.0017%); highest among the groups gnomAD compares: East Asian, 0.0045%; no homozygotes.

Submissions (3):

PreventionGenetics, part of Exact Sciences
Classification: Likely benign for CREBBP-related condition. Last evaluated: 2024-12-11. Review status: criteria provided, single submitter. Criteria: ACMG Guidelines, 2015. Collection method: clinical testing. Allele origin: germline.
Comment: This variant is classified as likely benign based on ACMG/AMP sequence variant interpretation guidelines (Richards et al. 2015 PMID: 25741868, with internal and published modifications).

Labcorp Genetics (formerly Invitae), Labcorp
Classification: Benign for Rubinstein-Taybi syndrome. Last evaluated: 2023-12-19. Review status: criteria provided, single submitter. Criteria: Invitae Variant Classification Sherloc (09022015). Collection method: clinical testing. Allele origin: germline.

Ambry Genetics
Classification: Likely benign for Inborn genetic diseases. Last evaluated: 2017-07-19. Review status: criteria provided, single submitter. Criteria: Ambry Variant Classification Scheme 2023. Collection method: clinical testing. Allele origin: germline.

NM_004380.3(CREBBP):c.774C>T (p.Thr258=)

Gene: CREBBP (CREB binding lysine acetyltransferase; minus strand). Cytogenetic location: 16p13.3.
Variant type: single nucleotide variant.
Coding change: c.774C>T on transcript NM_004380.3 (MANE Select); coding-DNA position 774, C replaced by T.
Protein change: p.Thr258=; no amino-acid change (threonine 258 retained).
Molecular consequence: synonymous variant.
Genome position (GRCh38, 1-based): chr16:3,850,321, G>A on the plus strand (C>T on the coding strand, the complement: CREBBP is on the minus strand). VCF-style: chr16-3850321-G-A. GRCh37 (hg19) VCF-style: chr16-3900322-G-A.
Other names: c.774C>T, p.Thr258= (NM_001079846.1).
Identifiers: ClinVar variation 1760450 (VCV001760450.6), dbSNP rs758232005, ClinGen allele CA7870610.
Genomic context (GRCh38, chr16:3,850,321, plus strand): 5'-AGGTAGGAAGTATTGAAAGTGCTTCAGTTCACTTACCTTGGCCATGCCTCCTGCCTGTGC[G>A]GTGTTCAGTCCCGCGTGACCAGTCATTTGCGGGGAAACCTGCGTTAGGGTCTCAGCCAGC-3'
Protein context (NP_004371.2, residues 248-268): PQMTGHAGLN[Thr258=]AQAGGMAKMG